The following is an entry in ClinVar:

NM_002485.5(NBN):c.2226T>A (p.Asp742Glu)

Gene: NBN (nibrin; minus strand). Cytogenetic location: 8q21.3.
Variant type: single nucleotide variant.
Coding change: c.2226T>A on transcript NM_002485.5 (MANE Select); coding-DNA position 2226, T replaced by A.
Protein change: p.Asp742Glu; replaces aspartic acid 742 with glutamic acid.
Molecular consequence: missense variant.
Genome position (GRCh38, 1-based): chr8:89,937,034, A>T on the plus strand (T>A on the coding strand, the complement: NBN is on the minus strand). VCF-style: chr8-89937034-A-T. GRCh37 (hg19) VCF-style: chr8-90949262-A-T.
Other names: c.1980T>A, p.Asp660Glu (NM_001024688.3); short protein forms D742E, D660E.
Identifiers: ClinVar variation 230832 (VCV000230832.23), dbSNP rs767523514, ClinGen allele CA4802584.

ClinVar aggregate classification (germline): Uncertain significance. Review status: criteria provided, multiple submitters, no conflicts (2 of 4 stars). 7 submissions from 7 submitters: Uncertain significance (6). 1 of the submissions does not count toward it. Last evaluated 2024-08-26.

Conditions:
Hereditary cancer-predisposing syndrome. Also called: Hereditary Cancer Syndrome; Neoplastic Syndromes, Hereditary; Tumor predisposition; Hereditary neoplastic syndrome. Identifiers: Orphanet 140162, MedGen C0027672, MeSH D009386, MONDO:0015356.
Aplastic anemia. Identifiers: Orphanet 182040, Orphanet 88, MedGen C0002874, MONDO:0015909, OMIM 609135, HP:0001915.
Microcephaly, normal intelligence and immunodeficiency (NBS). Also called: BERLIN BREAKAGE SYNDROME; Ataxia telangiectasia variant V1; IMMUNODEFICIENCY, MICROCEPHALY, AND CHROMOSOMAL INSTABILITY; SEEMANOVA SYNDROME II; Nijmegen breakage syndrome; Microcephaly with normal intelligence immunodeficiency and lymphoreticular malignancies. Identifiers: Orphanet 647, MedGen C0398791, MONDO:0009623, OMIM 251260.

Allele frequency attached by ClinVar (database versions not stated): TOPMed 0.00001; ExAC 0.00002; gnomAD exomes 0.00002; gnomAD 0.00003.
gnomAD v4.1: 5 of 1,610,586 alleles (0.00031%); highest among the groups gnomAD compares: African/African-American, 0.0067%; no homozygotes.

Submissions (7):

Quest Diagnostics Nichols Institute San Juan Capistrano
Classification: Uncertain significance. Last evaluated: 2024-08-26. Review status: criteria provided, single submitter. Criteria: Quest Diagnostics criteria. Collection method: clinical testing. Allele origin: unknown.
Comment: The NBN c.2226T>A (p.Asp742Glu) variant has been reported in the published literature in a cohort of individuals with unspecified cancer (PMID: 36346689 (2023)). The frequency of this variant in the general population, 0.00016 (4/24682 chromosomes (Genome Aggregation Database)), is uninformative in the assessment of its pathogenicity. Analysis of this variant using bioinformatics tools for the prediction of the effect of amino acid changes on protein structure and function yielded conflicting predictions that this variant is benign or damaging. Based on the available information, we are unable to determine the clinical significance of this variant.

Labcorp Genetics (formerly Invitae), Labcorp
Classification: Uncertain significance for Microcephaly, normal intelligence and immunodeficiency. Last evaluated: 2024-04-16. Review status: criteria provided, single submitter. Criteria: Invitae Variant Classification Sherloc (09022015). Collection method: clinical testing. Allele origin: germline.
Comment: This sequence change replaces aspartic acid, which is acidic and polar, with glutamic acid, which is acidic and polar, at codon 742 of the NBN protein (p.Asp742Glu). This variant is present in population databases (rs767523514, gnomAD 0.02%). This variant has not been reported in the literature in individuals affected with NBN-related conditions. ClinVar contains an entry for this variant (Variation ID: 230832). Algorithms developed to predict the effect of missense changes on protein structure and function output the following: SIFT: "Not Available"; PolyPhen-2: "Possibly Damaging"; Align-GVGD: "Not Available". The glutamic acid amino acid residue is found in multiple mammalian species, which suggests that this missense change does not adversely affect protein function. In summary, the available evidence is currently insufficient to determine the role of this variant in disease. Therefore, it has been classified as a Variant of Uncertain Significance.

Ambry Genetics
Classification: Uncertain significance for Hereditary cancer-predisposing syndrome. Last evaluated: 2024-03-31. Review status: criteria provided, single submitter. Criteria: Ambry Variant Classification Scheme 2023. Collection method: clinical testing. Allele origin: germline.
Comment: The p.D742E variant (also known as c.2226T>A), located in coding exon 15 of the NBN gene, results from a T to A substitution at nucleotide position 2226. The aspartic acid at codon 742 is replaced by glutamic acid, an amino acid with highly similar properties. This amino acid position is highly conserved in available vertebrate species. In addition, this alteration is predicted to be tolerated by in silico analysis. Since supporting evidence is limited at this time, the clinical significance of this alteration remains unclear.

Baylor Genetics
Classification: Uncertain significance for Aplastic anemia. Last evaluated: 2023-11-02. Review status: criteria provided, single submitter. Criteria: ACMG Guidelines, 2015. Collection method: clinical testing. Allele origin: unknown.

Genome-Nilou Lab
Classification: Uncertain significance for Microcephaly, normal intelligence and immunodeficiency. Last evaluated: 2021-11-07. Review status: criteria provided, single submitter. Criteria: ACMG Guidelines, 2015. Collection method: clinical testing. Allele origin: germline. Affected: no.

Women's Health and Genetics/Laboratory Corporation of America, LabCorp
Classification: Uncertain significance. Last evaluated: 2021-05-19. Review status: criteria provided, single submitter. Criteria: LabCorp Variant Classification Summary - May 2015. Collection method: clinical testing. Allele origin: germline.
Comment: Variant summary: NBN c.2226T>A (p.Asp742Glu) results in a conservative amino acid change located in the DNA repair Nbs1, C-terminal domain (IPR013908) of the encoded protein sequence. Three of five in-silico tools predict a damaging effect of the variant on protein function. The variant allele was found at a frequency of 1.6e-05 in 249956 control chromosomes. The available data on variant occurrences in the general population are insufficient to allow any conclusion about variant significance. To our knowledge, no occurrence of c.2226T>A in individuals affected with Nijmegen Breakage Syndrome and no experimental evidence demonstrating its impact on protein function have been reported. Two ClinVar submitters (evaluation after 2014) have cited the variant as uncertain significance. Based on the evidence outlined above, the variant was classified as uncertain significance.

Natera, Inc.
Classification: Uncertain significance for Nijmegen breakage syndrome. Last evaluated: 2021-05-04. Review status: no assertion criteria provided. Collection method: clinical testing. Allele origin: germline. Not counted in ClinVar's aggregate classification.

Literature cited by the submitters: PubMed 36346689 (cited by Quest Diagnostics Nichols Institute San Juan Capistrano).